The following is an entry in ClinVar:

ClinVar aggregate classification (germline): Uncertain significance (1 of 4 stars; one submission).

Submission:

GeneDx
Classification: Uncertain significance. Last evaluated: 2026-03-24. Review status: criteria provided, single submitter. Criteria: GeneDx Variant Classification Process June 2021. Collection method: clinical testing. Allele origin: germline.
Comment: Not observed at significant frequency in large population cohorts (gnomAD); In silico analysis supports that this missense variant has a deleterious effect on protein structure/function; Has not been previously published as pathogenic or benign to our knowledge

NM_015335.5(MED13L):c.2965C>T (p.Pro989Ser)

Gene: MED13L (mediator complex subunit 13L; minus strand). Cytogenetic location: 12q24.21.
Variant type: single nucleotide variant.
Coding change: c.2965C>T on transcript NM_015335.5 (MANE Select); coding-DNA position 2965, C replaced by T.
Protein change: p.Pro989Ser; replaces proline 989 with serine.
Molecular consequence: missense variant.
Genome position (GRCh38, 1-based): chr12:115,996,507, G>A on the plus strand (C>T on the coding strand, the complement: MED13L is on the minus strand). VCF-style: chr12-115996507-G-A. GRCh37 (hg19) VCF-style: chr12-116434312-G-A.
Other names: short protein forms P989S.
Identifiers: ClinVar variation 5017372 (VCV005017372.1).